The following is an entry in ClinVar:

NM_015909.4(NBAS):c.1352A>G (p.Lys451Arg)

Gene: NBAS (NBAS subunit of NRZ tethering complex; minus strand). Cytogenetic location: 2p24.3.
Variant type: single nucleotide variant.
Coding change: c.1352A>G on transcript NM_015909.4 (MANE Select); coding-DNA position 1352, A replaced by G.
Protein change: p.Lys451Arg; replaces lysine 451 with arginine.
Molecular consequence: missense variant. On other transcripts: non-coding transcript variant (1).
Genome position (GRCh38, 1-based): chr2:15,474,314, T>C on the plus strand (A>G on the coding strand, the complement: NBAS is on the minus strand). VCF-style: chr2-15474314-T-C. GRCh37 (hg19) VCF-style: chr2-15614438-T-C.
Other names: short protein forms K451R.
Identifiers: ClinVar variation 4983671 (VCV004983671.1).

ClinVar aggregate classification (germline): Uncertain significance (1 of 4 stars; one submission).

Conditions:
NBAS-related disorder. Also called: NBAS-related condition.

gnomAD v4.1: 4 of 1,612,874 alleles (0.00025%); highest among the groups gnomAD compares: East Asian, 0.0089%; no homozygotes.

Submission:

PreventionGenetics, part of Exact Sciences
Classification: Uncertain significance for NBAS-related condition. Last evaluated: 2026-07-21. Review status: criteria provided, single submitter. Criteria: ACMG Guidelines, 2015. Collection method: clinical testing. Allele origin: germline.
Comment: The NBAS c.1352A>G variant is predicted to result in the amino acid substitution p.Lys451Arg. To our knowledge, this variant has not been reported in the literature. This variant is reported in 0.0055% of alleles in individuals of East Asian descent in gnomAD. At this time, the clinical significance of this variant is uncertain due to the absence of conclusive functional and genetic evidence.